The following is an entry in ClinVar:

ClinVar aggregate classification (germline): Uncertain significance. Review status: criteria provided, multiple submitters, no conflicts (2 of 4 stars). 2 submissions from 2 submitters: Uncertain significance (2). Last evaluated 2024-08-31.

Conditions:
Shprintzen-Goldberg syndrome (SGS). Also called: CRANIOSYNOSTOSIS WITH ARACHNODACTYLY AND ABDOMINAL HERNIAS; SHPRINTZEN-GOLDBERG CRANIOSYNOSTOSIS SYNDROME; Marfanoid disorder with craniosynostosis type 1; Marfanoid craniosynostosis syndrome; Shprintzen-Goldberg marfanoid syndrome. Identifiers: Orphanet 2462, MedGen C1321551, MONDO:0008426, OMIM 182212.

Allele frequency attached by ClinVar (database versions not stated): gnomAD 0.00001; TOPMed 0.00002; gnomAD exomes 0.00001.
gnomAD v4.1: 13 of 1,612,324 alleles (0.00081%); highest among the groups gnomAD compares: South Asian, 0.0011%; no homozygotes.

Submissions (2):

Labcorp Genetics (formerly Invitae), Labcorp
Classification: Uncertain significance for Shprintzen-Goldberg syndrome. Last evaluated: 2024-08-31. Review status: criteria provided, single submitter. Criteria: Invitae Variant Classification Sherloc (09022015). Collection method: clinical testing. Allele origin: germline.
Comment: This sequence change replaces valine, which is neutral and non-polar, with methionine, which is neutral and non-polar, at codon 419 of the SKI protein (p.Val419Met). This variant is not present in population databases (gnomAD no frequency). This variant has not been reported in the literature in individuals affected with SKI-related conditions. ClinVar contains an entry for this variant (Variation ID: 1706418). Invitae Evidence Modeling of protein sequence and biophysical properties (such as structural, functional, and spatial information, amino acid conservation, physicochemical variation, residue mobility, and thermodynamic stability) has been performed for this missense variant. However, the output from this modeling did not meet the statistical confidence thresholds required to predict the impact of this variant on SKI protein function. In summary, the available evidence is currently insufficient to determine the role of this variant in disease. Therefore, it has been classified as a Variant of Uncertain Significance.

GeneDx
Classification: Uncertain significance. Last evaluated: 2022-08-31. Review status: criteria provided, single submitter. Criteria: GeneDx Variant Classification Process June 2021. Collection method: clinical testing. Allele origin: germline. Affected: yes.
Comment: Not observed at significant frequency in large population cohorts (gnomAD); In silico analysis supports that this missense variant does not alter protein structure/function; Has not been previously published as pathogenic or benign to our knowledge

NM_003036.4(SKI):c.1255G>A (p.Val419Met)

Gene: SKI (SKI proto-oncogene; plus strand). Cytogenetic location: 1p36.32.
Variant type: single nucleotide variant.
Coding change: c.1255G>A on transcript NM_003036.4 (MANE Select); coding-DNA position 1255, G replaced by A.
Protein change: p.Val419Met; replaces valine 419 with methionine.
Molecular consequence: missense variant.
Genome position (GRCh38, 1-based): chr1:2,303,883, G>A. VCF-style: chr1-2303883-G-A. GRCh37 (hg19) VCF-style: chr1-2235322-G-A.
Other names: short protein forms V419M.
Identifiers: ClinVar variation 1706418 (VCV001706418.5), dbSNP rs995549077, ClinGen allele CA16896064.